The following is an entry in ClinVar:

ClinVar aggregate classification (germline): Conflicting classifications of pathogenicity. Review status: criteria provided, conflicting classifications (1 of 4 stars). 2 submissions from 2 submitters: Uncertain significance (1); Benign (1). Last evaluated 2025-01-13.

Conditions:
Inborn genetic diseases. Identifiers: MedGen C0950123, MeSH D030342.
SLC35A2-congenital disorder of glycosylation. Also called: EPILEPTIC ENCEPHALOPATHY, EARLY INFANTILE, 22; SLC35A2-CDG; CONGENITAL DISORDER OF GLYCOSYLATION, TYPE IIm; CDG IIm; CONGENITAL DISORDER OF GLYCOSYLATION, TYPE IIm, SOMATIC MOSAIC; DEVELOPMENTAL AND EPILEPTIC ENCEPHALOPATHY 22. Identifiers: Orphanet 356961, MedGen C3806688, MONDO:0010478, OMIM 300896.

Allele frequency attached by ClinVar (database versions not stated): gnomAD exomes 0.00001 and 0.00003; ExAC 0.00003; ESP Exome Variant Server 0.00009; TOPMed 0.00009; gnomAD 0.00011.
gnomAD v4.1: 26 of 1,208,783 alleles (0.0022%); highest among the groups gnomAD compares: African/African-American, 0.044%; no homozygotes.

Submissions (2):

Labcorp Genetics (formerly Invitae), Labcorp
Classification: Benign for SLC35A2-congenital disorder of glycosylation. Last evaluated: 2025-01-13. Review status: criteria provided, single submitter. Criteria: Invitae Variant Classification Sherloc (09022015). Collection method: clinical testing. Allele origin: germline.

Ambry Genetics
Classification: Uncertain significance for Inborn genetic diseases. Last evaluated: 2017-05-30. Review status: criteria provided, single submitter. Criteria: Ambry Variant Classification Scheme 2023. Collection method: clinical testing. Allele origin: germline.
Comment: The p.A57T variant (also known as c.169G>A), located in coding exon 2 of the SLC35A2 gene, results from a G to A substitution at nucleotide position 169. The alanine at codon 57 is replaced by threonine, an amino acid with similar properties. This amino acid position is not well conserved in available vertebrate species, and threonine is the reference amino acid in other vertebrate species. In addition, this alteration is predicted to be tolerated by in silico analysis. Since supporting evidence is limited at this time, the clinical significance of this alteration remains unclear.

NM_005660.3(SLC35A2):c.169G>A (p.Ala57Thr)

Gene: SLC35A2 (solute carrier family 35 member A2; minus strand). Cytogenetic location: Xp11.23.
Variant type: single nucleotide variant.
Coding change: c.169G>A on transcript NM_005660.3 (MANE Select); coding-DNA position 169, G replaced by A.
Protein change: p.Ala57Thr; replaces alanine 57 with threonine.
Molecular consequence: missense variant. On other transcripts: intron variant (1).
Genome position (GRCh38, 1-based): chrX:48,909,919, C>T on the plus strand (G>A on the coding strand, the complement: SLC35A2 is on the minus strand). VCF-style: chrX-48909919-C-T. GRCh37 (hg19) VCF-style: chrX-48767196-C-T.
Other names: c.169G>A, p.Ala57Thr (NM_001032289.3, NM_001042498.3, NM_001282647.2); c.97G>A, p.Ala33Thr (NM_001282648.2); c.208G>A, p.Ala70Thr (NM_001282650.2); c.253G>A, p.Ala85Thr (NM_001282651.2); c.91+1627G>A (NM_001282649.2); short protein forms A57T, A33T, A70T, A85T.
Identifiers: ClinVar variation 589119 (VCV000589119.15), dbSNP rs151120284, ClinGen allele CA10406185.